The following is an entry in ClinVar:

NM_006904.7(PRKDC):c.1831A>C (p.Asn611His)

Gene: PRKDC (protein kinase, DNA-activated, catalytic subunit; minus strand). Cytogenetic location: 8q11.21.
Variant type: single nucleotide variant.
Coding change: c.1831A>C on transcript NM_006904.7 (MANE Select); coding-DNA position 1831, A replaced by C.
Protein change: p.Asn611His; replaces asparagine 611 with histidine.
Molecular consequence: missense variant.
Genome position (GRCh38, 1-based): chr8:47,930,733, T>G on the plus strand (A>C on the coding strand, the complement: PRKDC is on the minus strand). VCF-style: chr8-47930733-T-G. GRCh37 (hg19) VCF-style: chr8-48843293-T-G.
Other names: c.1831A>C, p.Asn611His (NM_001081640.2); short protein forms N611H.
Identifiers: ClinVar variation 1780957 (VCV001780957.2), dbSNP rs1034647709, ClinGen allele CA176164836.

ClinVar aggregate classification (germline): Uncertain significance (1 of 4 stars; one submission).

Allele frequency attached by ClinVar (database versions not stated): TOPMed below 0.00001.

Submission:

Ambry Genetics
Classification: Uncertain significance. Last evaluated: 2022-07-07. Review status: criteria provided, single submitter. Criteria: Ambry Variant Classification Scheme 2023. Collection method: clinical testing. Allele origin: germline.
Comment: The p.N611H variant (also known as c.1831A>C), located in coding exon 17 of the PRKDC gene, results from an A to C substitution at nucleotide position 1831. The asparagine at codon 611 is replaced by histidine, an amino acid with similar properties. This amino acid position is conserved. In addition, this alteration is predicted to be tolerated by in silico analysis. Since supporting evidence is limited at this time, the clinical significance of this alteration remains unclear.